The following is an entry in ClinVar:

ClinVar aggregate classification (germline): Uncertain significance. Review status: criteria provided, multiple submitters, no conflicts (2 of 4 stars). 10 submissions from 10 submitters: Uncertain significance (9). 1 of the submissions does not count toward it. Last evaluated 2025-09-24.

Conditions:
Hereditary cancer-predisposing syndrome. Also called: Neoplastic Syndromes, Hereditary; Tumor predisposition; Hereditary Cancer Syndrome; Hereditary neoplastic syndrome. Identifiers: Orphanet 140162, MedGen C0027672, MeSH D009386, MONDO:0015356.
CHEK2-related cancer predisposition (TPDS4). Also called: TUMOR PREDISPOSITION SYNDROME 4; CANCER PREDISPOSITION SYNDROME, CHEK2-RELATED; CHEK2-related cancer susceptibility. Identifiers: Orphanet 524, MedGen C5882668, MONDO:0700271, OMIM 609265.
Familial cancer of breast. Also called: BREAST CANCER, FAMILIAL; Hereditary breast cancer; hereditary breast carcinoma. Identifiers: Orphanet 227535, MedGen C0346153, MONDO:0016419, OMIM 114480. Disease mechanism: loss of function.

gnomAD v4.1: 2 of 1,608,212 alleles (0.00012%); highest among the groups gnomAD compares: Non-Finnish European, 0.00017%; no homozygotes.

Submissions (10):

Ambry Genetics
Classification: Uncertain significance for Hereditary cancer-predisposing syndrome. Last evaluated: 2025-09-24. Review status: criteria provided, single submitter. Criteria: Ambry Variant Classification Scheme 2023. Collection method: clinical testing. Allele origin: germline.
Comment: The p.L338F variant (also known as c.1012C>T), located in coding exon 9 of the CHEK2 gene, results from a C to T substitution at nucleotide position 1012. The leucine at codon 338 is replaced by phenylalanine, an amino acid with highly similar properties. This amino acid position is highly conserved in available vertebrate species. In addition, this alteration is predicted to be deleterious by in silico analysis. Based on the available evidence, the clinical significance of this variant remains unclear.

Labcorp Genetics (formerly Invitae), Labcorp
Classification: Uncertain significance for Familial cancer of breast. Last evaluated: 2025-06-23. Review status: criteria provided, single submitter. Criteria: Invitae Variant Classification Sherloc (09022015). Collection method: clinical testing. Allele origin: germline.
Comment: This sequence change replaces leucine, which is neutral and non-polar, with phenylalanine, which is neutral and non-polar, at codon 338 of the CHEK2 protein (p.Leu338Phe). This variant is not present in population databases (gnomAD no frequency). This missense change has been observed in individual(s) with features of hereditary cancer (PMID: 31159747, 34326862). ClinVar contains an entry for this variant (Variation ID: 142406). An algorithm developed to predict the effect of missense changes on protein structure and function (PolyPhen-2) suggests that this variant is likely to be disruptive. Experimental studies have shown that this missense change does not substantially affect CHEK2 function (PMID: 30851065). In summary, the available evidence is currently insufficient to determine the role of this variant in disease. Therefore, it has been classified as a Variant of Uncertain Significance.

Myriad Genetics, Inc.
Classification: Uncertain significance for Familial cancer of breast. Last evaluated: 2023-03-09. Review status: criteria provided, single submitter. Criteria: Myriad Autosomal Dominant, Autosomal Recessive and X-Linked Classification Criteria (2023). Collection method: clinical testing. Allele origin: unknown.
Comment: This variant is classified as a variant of uncertain significance as there is insufficient evidence to determine its impact on protein function and/or cancer risk.

Department of Pathology and Laboratory Medicine, Sinai Health System
Classification: Uncertain significance for CHEK2-related cancer predisposition. Last evaluated: 2023-02-23. Review status: criteria provided, single submitter. Criteria: ACMG Guidelines, 2015. Collection method: clinical testing. Allele origin: germline. Affected: yes.

Sema4
Classification: Uncertain significance for Hereditary cancer-predisposing syndrome. Last evaluated: 2021-12-16. Review status: criteria provided, single submitter. Criteria: Sema4 Curation Guidelines. Collection method: curation. Allele origin: germline.
Comment: The CHEK2 c.1012C>T (p.L338F) missense variant has been reported in at least one individual undergoing multigene testing for hereditary cancer (PMID: 31159747). This variant was not present individuals with breast cancer in a large dataset of 60,466 women with breast cancer but was present in 2/53,461 controls (PMID 33471991). This variant was not observed in the large and broad cohorts of the Genome Aggregation Database (PMID: 32461654). This variant has been reported in ClinVar (Variation ID 142406). In silico tools suggest the impact of the variant on protein function is deleterious, though functional studies in yeast indicate that the variant has no impact on growth (PMID 30851065). The overall evidence is insufficient to meet ACMG/AMP criteria for classifying it as benign or pathogenic. In summary, the clinical significance of this variant is currently uncertain.

Color Diagnostics, LLC DBA Color Health
Classification: Uncertain significance for Hereditary cancer-predisposing syndrome. Last evaluated: 2021-06-09. Review status: criteria provided, single submitter. Criteria: ACMG Guidelines, 2015. Collection method: clinical testing. Allele origin: germline.
Comment: This missense variant replaces leucine with phenylalanine at codon 338 of the CHEK2 protein. Computational prediction suggests that this variant may have deleterious impact on protein structure and function (internally defined REVEL score threshold >= 0.7, PMID: 27666373). A yeast-based experimental functional assay demonstrated no impact to CHEK2 DNA damage repair activity (PMID: 30851065). This variant has not been reported in individuals affected with hereditary cancer in the literature. This variant has not been identified in the general population by the Genome Aggregation Database (gnomAD). The available evidence is insufficient to determine the role of this variant in disease conclusively. Therefore, this variant is classified as a Variant of Uncertain Significance.

Quest Diagnostics Nichols Institute San Juan Capistrano
Classification: Uncertain significance. Last evaluated: 2021-05-18. Review status: criteria provided, single submitter. Criteria: Quest Diagnostics criteria. Collection method: clinical testing. Allele origin: unknown.

GeneKor MSA
Classification: Uncertain significance for Hereditary cancer-predisposing syndrome. Last evaluated: 2018-08-01. Review status: criteria provided, single submitter. Criteria: ACMG Guidelines, 2015. Collection method: clinical testing. Allele origin: germline. Affected: yes.

GeneDx
Classification: Uncertain significance. Last evaluated: 2018-03-29. Review status: criteria provided, single submitter. Criteria: GeneDx Variant Classification (06012015). Collection method: clinical testing. Allele origin: germline. Affected: yes.
Comment: This variant is denoted CHEK2 c.1012C>T at the cDNA level, p.Leu338Phe (L338F) at the protein level, and results in the change of a Leucine to a Phenylalanine (CTT>TTT). This variant has not, to our knowledge, been published in the literature as pathogenic or benign. CHEK2 Leu338Phe was not observed in large population cohorts (Lek 2016). This variant is located in the kinase domain (Cai 2009, Roeb 2012). In silico analysis, which includes protein predictors and evolutionary conservation, supports a deleterious effect. Based on currently available evidence, it is unclear whether CHEK2 Leu338Phe is a pathogenic or benign variant. We consider it to be a variant of uncertain significance.

Counsyl
Classification: Uncertain significance for Familial cancer of breast. Last evaluated: 2017-06-16. Review status: no assertion criteria provided. Collection method: clinical testing. Allele origin: unknown. Not counted in ClinVar's aggregate classification.

Literature cited by the submitters: PubMed 30851065 (cited by 5 submitters); PubMed 31159747 (cited by 5 submitters); PubMed 33471991 (cited by 3 submitters); PubMed 34326862 (cited by Labcorp Genetics (formerly Invitae), Labcorp).

NM_007194.4(CHEK2):c.1012C>T (p.Leu338Phe)

Gene: CHEK2 (checkpoint kinase 2; minus strand). Cytogenetic location: 22q12.1.
Variant type: single nucleotide variant.
Coding change: c.1012C>T on transcript NM_007194.4 (MANE Select); coding-DNA position 1012, C replaced by T.
Protein change: p.Leu338Phe; replaces leucine 338 with phenylalanine.
Molecular consequence: missense variant. On other transcripts: intron variant (3).
Genome position (GRCh38, 1-based): chr22:28,696,984, G>A on the plus strand (C>T on the coding strand, the complement: CHEK2 is on the minus strand). VCF-style: chr22-28696984-G-A. GRCh37 (hg19) VCF-style: chr22-29092972-G-A.
Other names: c.1141C>T, p.Leu381Phe (NM_001005735.3); c.349C>T, p.Leu117Phe (NM_001257387.3, NM_001437942.1); c.811C>T, p.Leu271Phe (NM_001349956.3); c.1105C>T, p.Leu369Phe (NM_001438293.1); c.1009-1111C>T (NM_145862.3); c.1102-1111C>T (NM_001438295.1); c.1138-1111C>T (NM_001438294.1); short protein forms L338F, L117F, L271F, L381F, L369F.
Identifiers: ClinVar variation 142406 (VCV000142406.24), dbSNP rs587782441, ClinGen allele CA168254.
Genomic context (GRCh38, chr22:28,696,984, plus strand): 5'-GAGATGACAGTAAAACATTCTCTGGCTTTAAGTCACGGTGTATAATACCGTTTTCATGAA[G>A]GTACTACACAGAAAGGCAGGCATGACCCTCAGATTCATGCAGTAGATACTTAAGTAGAAT-3'
Protein context (NP_009125.1, residues 328-348): FYQMLLAVQY[Leu338Phe]HENGIIHRDL